The following is an entry in ClinVar:

ClinVar aggregate classification (germline): Uncertain significance (1 of 4 stars; one submission).

Allele frequency attached by ClinVar (database versions not stated): ESP Exome Variant Server 0.00008.
gnomAD v4.1: 12 of 1,614,106 alleles (0.00074%); highest among the groups gnomAD compares: Admixed American, 0.0017%; no homozygotes.

Submission:

Labcorp Genetics (formerly Invitae), Labcorp
Classification: Uncertain significance. Last evaluated: 2025-04-01. Review status: criteria provided, single submitter. Criteria: Invitae Variant Classification Sherloc (09022015). Collection method: clinical testing. Allele origin: germline.
Comment: This sequence change replaces isoleucine, which is neutral and non-polar, with threonine, which is neutral and polar, at codon 603 of the ADNP protein (p.Ile603Thr). This variant is present in population databases (rs149024089, gnomAD 0.003%). This variant has not been reported in the literature in individuals affected with ADNP-related conditions. ClinVar contains an entry for this variant (Variation ID: 1989403). An algorithm developed to predict the effect of missense changes on protein structure and function outputs the following: PolyPhen-2: "Benign". The threonine amino acid residue is found in multiple mammalian species, which suggests that this missense change does not adversely affect protein function. In summary, the available evidence is currently insufficient to determine the role of this variant in disease. Therefore, it has been classified as a Variant of Uncertain Significance.

NM_001282531.3(ADNP):c.1808T>C (p.Ile603Thr)

Gene: ADNP (activity dependent neuroprotector homeobox; minus strand). Cytogenetic location: 20q13.13.
Variant type: single nucleotide variant.
Coding change: c.1808T>C on transcript NM_001282531.3 (MANE Select); coding-DNA position 1808, T replaced by C.
Protein change: p.Ile603Thr; replaces isoleucine 603 with threonine.
Molecular consequence: missense variant.
Genome position (GRCh38, 1-based): chr20:50,892,906, A>G on the plus strand (T>C on the coding strand, the complement: ADNP is on the minus strand). VCF-style: chr20-50892906-A-G. GRCh37 (hg19) VCF-style: chr20-49509443-A-G.
Other names: c.1808T>C, p.Ile603Thr (NM_001282532.2, NM_001347511.2, NM_015339.5 and 1 more transcripts); short protein forms I603T.
Identifiers: ClinVar variation 1989403 (VCV001989403.4), dbSNP rs149024089, ClinGen allele CA315257351.